The following is an entry in ClinVar:

ClinVar aggregate classification (germline): Uncertain significance (1 of 4 stars; one submission).

Conditions:
Hereditary cancer-predisposing syndrome. Also called: Tumor predisposition; Neoplastic Syndromes, Hereditary; Hereditary neoplastic syndrome; Hereditary Cancer Syndrome. Identifiers: Orphanet 140162, MedGen C0027672, MeSH D009386, MONDO:0015356.

Submission:

Ambry Genetics
Classification: Uncertain significance for Hereditary cancer-predisposing syndrome. Last evaluated: 2025-08-27. Review status: criteria provided, single submitter. Criteria: Ambry Variant Classification Scheme 2023. Collection method: clinical testing. Allele origin: germline.
Comment: The p.A385G variant (also known as c.1154C>G), located in coding exon 12 of the MUTYH gene, results from a C to G substitution at nucleotide position 1154. The alanine at codon 385 is replaced by glycine, an amino acid with similar properties. This amino acid position is conserved. In addition, this alteration is predicted to be tolerated by in silico analysis. Based on the available evidence, the clinical significance of this variant remains unclear.

NM_001048174.2(MUTYH):c.1070C>G (p.Ala357Gly)

Gene: MUTYH (mutY DNA glycosylase; minus strand). Cytogenetic location: 1p34.1.
Variant type: single nucleotide variant.
Coding change: c.1070C>G on transcript NM_001048174.2 (MANE Select); coding-DNA position 1070, C replaced by G.
Protein change: p.Ala357Gly; replaces alanine 357 with glycine.
Molecular consequence: missense variant. On other transcripts: non-coding transcript variant (7).
Genome position (GRCh38, 1-based): chr1:45,331,693, G>C on the plus strand (C>G on the coding strand, the complement: MUTYH is on the minus strand). VCF-style: chr1-45331693-G-C. GRCh37 (hg19) VCF-style: chr1-45797365-G-C.
Other names: c.1070C>G, p.Ala357Gly (NM_001048171.2, NM_001048173.2, NM_001407088.1 and 6 more transcripts); c.1073C>G, p.Ala358Gly (NM_001048172.2, NM_001407086.1, NM_001407078.1 and 1 more transcripts); c.1154C>G, p.Ala385Gly (NM_001128425.2); c.1115C>G, p.Ala372Gly (NM_001293190.2); c.1112C>G, p.Ala371Gly (NM_001407083.1, NM_001407085.1); c.1091C>G, p.Ala364Gly (NM_001407087.1); c.794C>G, p.Ala265Gly (NM_001407091.1, NM_001293192.2, NM_001293196.2); c.1145C>G, p.Ala382Gly (NM_012222.3); and 5 more; short protein forms A382G, A265G, A344G, A242G, A343G, A357G, A358G, A364G.
Identifiers: ClinVar variation 4113061 (VCV004113061.1).